The following is an entry in ClinVar:

ClinVar aggregate classification (germline): Uncertain significance (1 of 4 stars; one submission).

Conditions:
Aortic aneurysm, familial thoracic 6 (AAT6). Also called: FAMILIAL THORACIC AORTIC ANEURYSM WITH LIVEDO RETICULARIS AND IRIS FLOCCULI. Identifiers: MedGen C2673186, MONDO:0012730, OMIM 611788.

Submission:

Labcorp Genetics (formerly Invitae), Labcorp
Classification: Uncertain significance for Aortic aneurysm, familial thoracic 6. Last evaluated: 2023-05-11. Review status: criteria provided, single submitter. Criteria: Invitae Variant Classification Sherloc (09022015). Collection method: clinical testing. Allele origin: germline.
Comment: In summary, the available evidence is currently insufficient to determine the role of this variant in disease. Therefore, it has been classified as a Variant of Uncertain Significance. Experimental studies and prediction algorithms are not available or were not evaluated, and the functional significance of this variant is currently unknown. This variant has been observed in individual(s) with ACTA2-related conditions (Invitae). This variant is not present in population databases (gnomAD no frequency). This variant, c.983_985del, results in the deletion of 1 amino acid(s) of the ACTA2 protein (p.Lys328del), but otherwise preserves the integrity of the reading frame.

NM_001613.4(ACTA2):c.983_985del (p.Lys328del)

Genes: ACTA2-AS1 (ACTA2 antisense RNA 1; plus strand), ACTA2 (actin alpha 2, smooth muscle; minus strand). Cytogenetic location: 10q23.31.
Variant type: Deletion.
Coding change: c.983_985del on transcript NM_001613.4 (MANE Select); coding-DNA positions 983 to 985, 3 bases deleted (AGA; older notation c.983_985delAGA).
Protein change: p.Lys328del; deletes lysine 328.
Molecular consequence: inframe deletion. On other transcripts: inframe indel (10).
Genome position (GRCh38, 1-based): chr10:88,938,066-88,938,068, TCT deleted on the plus strand (AGA on the coding strand, the reverse complement: ACTA2 is on the minus strand); deleting any 3 consecutive bases within chr10:88,938,066-88,938,070 gives the same sequence; the c. name uses the placement nearest the transcript's 3' end. VCF-style (leftmost placement, unchanged base first): chr10-88938065-ATCT-A. GRCh37 (hg19) VCF-style: chr10-90697822-ATCT-A.
Other names: c.981_983delGAA, p.Lys328del (NM_001141945.3, NM_001320855.2, NM_001406462.1 and 2 more transcripts); c.870_872delGAA, p.Lys291del (NM_001406466.1); c.852_854delGAA, p.Lys285del (NM_001406467.1, NM_001406468.1, NM_001406469.1); c.789_791delGAA, p.Lys264del (NM_001406471.1); short protein forms K328del, K264del, K285del, K291del.
Identifiers: ClinVar variation 2863563 (VCV002863563.3), dbSNP rs794728033, ClinGen allele CA007066.